The following is an entry in ClinVar:

ClinVar aggregate classification (germline): Pathogenic/Likely pathogenic. Review status: criteria provided, multiple submitters, no conflicts (2 of 4 stars). 4 submissions from 4 submitters: Pathogenic (3); Likely pathogenic (1). Last evaluated 2025-08-19.

Conditions:
Developmental delay with or without intellectual impairment or behavioral abnormalities. Identifiers: MedGen C5562004, MONDO:0859199, OMIM 619575.
Neurodevelopmental disorder. Identifiers: MedGen C1535926, MeSH D065886, MONDO:0700092.

Allele frequency attached by ClinVar (database versions not stated): gnomAD exomes 0.00001.
gnomAD v4.1: 3 of 1,614,130 alleles (0.00019%); highest among the groups gnomAD compares: Non-Finnish European, 0.00017%; no homozygotes.

Submissions (4):

Institute of Human Genetics, Heidelberg University
Classification: Pathogenic for Developmental delay with or without intellectual impairment or behavioral abnormalities. Last evaluated: 2025-08-19. Review status: criteria provided, single submitter. Criteria: ACMG Guidelines, 2015. Collection method: clinical testing. Allele origin: de novo. Affected: yes. Observed: 1 variant allele.
Comment: PVS1, PM2_sup, PM6

Victorian Clinical Genetics Services, Murdoch Childrens Research Institute
Classification: Pathogenic for Developmental delay with or without intellectual impairment or behavioral abnormalities. Last evaluated: 2024-10-11. Review status: criteria provided, single submitter. Criteria: ACMG Guidelines, 2015. Collection method: clinical testing. Allele origin: germline. Inheritance: Autosomal dominant inheritance. Affected: yes.
Comment: Based on the classification scheme VCGS_Germline_v1.3.5, this variant is classified as Pathogenic. Following criteria are met: 0102 - Loss of function is a known mechanism of disease in this gene and is associated with Developmental delay with or without intellectual impairment or behavioural abnormalities (MIM#619575). (I) 0107 - This gene is associated with autosomal dominant disease. (I) 0115 - Variants in this gene are known to have variable expressivity with inheritance from mildly affected parents reported (PMID 35091509). (I) 0202 - Variant is predicted to cause nonsense-mediated decay (NMD) and loss of protein (premature termination codon is located at least 54 nucleotides upstream of the final exon-exon junction) but is located in an exon that may undergo alternative splicing. (SP) 0251 - This variant is heterozygous. (I) 0302 - Variant is present in gnomAD (v4) <0.001 for a dominant condition (3 heterozygotes). (SP) 0701 – Other NMD-predicted variants comparable to the one identified in this case have very strong previous evidence for pathogenicity (ClinVar, DECIPHER, PMID 33565190) (SP) 0802 - This variant has moderate previous evidence of pathogenicity in an unrelated individual. It was identified as a mosaic de novo heterozygous variant in a child with ADHD and congenital anomalies (ClinVar). (SP) 0905 - No published segregation evidence has been identified for this variant. (I) 1007 - No published functional evidence has been identified for this variant. (I) 1208 - Inheritance information for this variant is not currently available in this individual. (I) Legend: (SP) - Supporting pathogenic, (I) - Information, (SB) - Supporting benign

Dubai Health Genomic Medicine Center, Dubai Health
Classification: Pathogenic for Developmental delay with or without intellectual impairment or behavioral abnormalities. Last evaluated: 2024-10-04. Review status: criteria provided, single submitter. Criteria: ACMG Guidelines, 2015. Collection method: research. Allele origin: germline. Affected: yes.
Comment: PVS1,PS2,PM2

Women's Health and Genetics/Laboratory Corporation of America, LabCorp
Classification: Likely pathogenic for Neurodevelopmental disorder. Last evaluated: 2019-07-22. Review status: criteria provided, single submitter. Criteria: LabCorp Variant Classification Summary - May 2015. Collection method: clinical testing. Allele origin: germline.
Comment: Variant summary: TAOK1 c.1960C>T (p.Arg654X) results in a premature termination codon, predicted to cause a truncation of the encoded protein or absence of the protein due to nonsense mediated decay, which are commonly known mechanisms for disease. The variant was absent in 251364 control chromosomes. To our knowledge, no occurrence of c.1960C>T in individuals affected with Neurodevelopmental disorder and no experimental evidence demonstrating its impact on protein function have been reported. However, other LOF variants have been reported as De novo variants in patients with Neurodevelopmental Disorders (PMID:31230721). No clinical diagnostic laboratories have submitted clinical-significance assessments for this variant to ClinVar after 2014. Based on the evidence outlined above, the variant was classified as likely pathogenic.

Literature cited by the submitters: PubMed 33565190 (cited by Victorian Clinical Genetics Services, Murdoch Childrens Research Institute); PubMed 35091509 (cited by Victorian Clinical Genetics Services, Murdoch Childrens Research Institute).

NM_020791.4(TAOK1):c.1960C>T (p.Arg654Ter)

Gene: TAOK1 (TAO kinase 1; plus strand). Cytogenetic location: 17q11.2.
Variant type: single nucleotide variant.
Coding change: c.1960C>T on transcript NM_020791.4 (MANE Select); coding-DNA position 1960, C replaced by T.
Protein change: p.Arg654Ter; replaces arginine 654 with a stop codon.
Molecular consequence: nonsense. On other transcripts: intron variant (1).
Genome position (GRCh38, 1-based): chr17:29,522,331, C>T. VCF-style: chr17-29522331-C-T. GRCh37 (hg19) VCF-style: chr17-27849349-C-T.
Other names: c.1705-8076C>T (NM_025142.1); short protein forms R654*.
Identifiers: ClinVar variation 929103 (VCV000929103.4), dbSNP rs2031934299, ClinGen allele CA398910625.
Genomic context (GRCh38, chr17:29,522,331, plus strand): 5'-ATGGATTAGGAGTTAAACAAAAGACAGACTCAGAAGGACTTAGAGCATGCCATGCTACTC[C>T]GACAGCATGAATCTATGCAAGAACTGGAGTTCCGCCACCTCAACACAATTCAGAAGATGC-3'